The following is an entry in ClinVar:

NM_017654.4(SAMD9):c.3402G>A (p.Trp1134Ter)

Gene: SAMD9 (sterile alpha motif domain containing 9; minus strand). Cytogenetic location: 7q21.2.
Variant type: single nucleotide variant.
Coding change: c.3402G>A on transcript NM_017654.4 (MANE Select); coding-DNA position 3402, G replaced by A.
Protein change: p.Trp1134Ter; replaces tryptophan 1134 with a stop codon.
Molecular consequence: nonsense.
Genome position (GRCh38, 1-based): chr7:93,102,696, C>T on the plus strand (G>A on the coding strand, the complement: SAMD9 is on the minus strand). VCF-style: chr7-93102696-C-T. GRCh37 (hg19) VCF-style: chr7-92732009-C-T.
Other names: c.3402G>A, p.Trp1134Ter (NM_001193307.2); short protein forms W1134*.
Identifiers: ClinVar variation 2506029 (VCV002506029.1), dbSNP rs2535355848, ClinGen allele CA368185474.

ClinVar aggregate classification (germline): Uncertain significance (1 of 4 stars; one submission).

Submission:

Women's Health and Genetics/Laboratory Corporation of America, LabCorp
Classification: Uncertain significance. Last evaluated: 2023-05-17. Review status: criteria provided, single submitter. Criteria: LabCorp Variant Classification Summary - May 2015. Collection method: clinical testing. Allele origin: germline.
Comment: Variant summary: SAMD9 c.3402G>A (p.Trp1134X) results in a premature termination codon, predicted to cause a truncation of the encoded protein or absence of the protein in a gene where mechanism of disease is gain of function. The variant was absent in 250922 control chromosomes (gnomAD). The available data on variant occurrences in the general population are insufficient to allow any conclusion about variant significance. To our knowledge, no occurrence of c.3402G>A in individuals affected with Normophosphatemic familial tumoral calcinosis and no experimental evidence demonstrating its impact on protein function have been reported. No clinical diagnostic laboratories have submitted clinical-significance assessments for this variant to ClinVar after 2014. Based on the evidence outlined above, the variant was classified as uncertain significance.